The following is an entry in ClinVar:

ClinVar aggregate classification (germline): Uncertain significance. Review status: criteria provided, multiple submitters, no conflicts (2 of 4 stars). 2 submissions from 2 submitters: Uncertain significance (2). Last evaluated 2025-09-13.

Conditions:
Hereditary cancer-predisposing syndrome. Also called: Neoplastic Syndromes, Hereditary; Tumor predisposition; Hereditary Cancer Syndrome; Hereditary neoplastic syndrome. Identifiers: Orphanet 140162, MedGen C0027672, MeSH D009386, MONDO:0015356.
Familial cancer of breast. Also called: BREAST CANCER, FAMILIAL; hereditary breast carcinoma; Hereditary breast cancer. Identifiers: Orphanet 227535, MedGen C0346153, MONDO:0016419, OMIM 114480. Disease mechanism: loss of function.

Allele frequency attached by ClinVar (database versions not stated): gnomAD 0.00001.
gnomAD v4.1: 1 of 1,613,566 alleles (0.000062%); highest among the groups gnomAD compares: African/African-American, 0.0013%; no homozygotes.

Submissions (2):

Labcorp Genetics (formerly Invitae), Labcorp
Classification: Uncertain significance for Familial cancer of breast. Last evaluated: 2025-09-13. Review status: criteria provided, single submitter. Criteria: Invitae Variant Classification Sherloc (09022015). Collection method: clinical testing. Allele origin: germline.
Comment: This sequence change replaces aspartic acid, which is acidic and polar, with asparagine, which is neutral and polar, at codon 178 of the BARD1 protein (p.Asp178Asn). This variant is present in population databases (no rsID available, gnomAD 0.01%). This variant has not been reported in the literature in individuals affected with BARD1-related conditions. ClinVar contains an entry for this variant (Variation ID: 640971). An algorithm developed to predict the effect of missense changes on protein structure and function (PolyPhen-2) suggests that this variant is likely to be tolerated. In summary, the available evidence is currently insufficient to determine the role of this variant in disease. Therefore, it has been classified as a Variant of Uncertain Significance.

Color Diagnostics, LLC DBA Color Health
Classification: Uncertain significance for Hereditary cancer-predisposing syndrome. Last evaluated: 2021-09-23. Review status: criteria provided, single submitter. Criteria: ACMG Guidelines, 2015. Collection method: clinical testing. Allele origin: germline.
Comment: This missense variant replaces aspartic acid with asparagine at codon 178 of the BARD1 protein. Computational prediction suggests that this variant may not impact protein structure and function (internally defined REVEL score threshold <= 0.5, PMID: 27666373). To our knowledge, functional studies have not been reported for this variant. In a breast cancer case-control study, this variant was identified in one individual with breast cancer, but has not shown a significant association with disease (PMID: 33471991 - Leiden Open Variation Database DB-ID BARD1_000431). This variant has been identified in 1/31396 chromosomes in the general population by the Genome Aggregation Database (gnomAD). The available evidence is insufficient to determine the role of this variant in disease conclusively. Therefore, this variant is classified as a Variant of Uncertain Significance.

Literature cited by the submitters: PubMed 33471991 (cited by Color Diagnostics, LLC DBA Color Health).

NM_000465.4(BARD1):c.532G>A (p.Asp178Asn)

Gene: BARD1 (BRCA1 associated RING domain 1; minus strand). Cytogenetic location: 2q35.
Variant type: single nucleotide variant.
Coding change: c.532G>A on transcript NM_000465.4 (MANE Select); coding-DNA position 532, G replaced by A.
Protein change: p.Asp178Asn; replaces aspartic acid 178 with asparagine.
Molecular consequence: missense variant. On other transcripts: non-coding transcript variant (2), intron variant (3).
Genome position (GRCh38, 1-based): chr2:214,781,342, C>T on the plus strand (G>A on the coding strand, the complement: BARD1 is on the minus strand). VCF-style: chr2-214781342-C-T. GRCh37 (hg19) VCF-style: chr2-215646066-C-T.
Other names: c.475G>A, p.Asp159Asn (NM_001282543.2); c.158+28070G>A (NM_001282548.2); c.215+15719G>A (NM_001282545.2); c.364+10955G>A (NM_001282549.2); short protein forms D159N, D178N.
Identifiers: ClinVar variation 640971 (VCV000640971.14), dbSNP rs1300620941, ClinGen allele CA350457448.